The following is an entry in ClinVar:

ClinVar aggregate classification (germline): Conflicting classifications of pathogenicity. Review status: criteria provided, conflicting classifications (1 of 4 stars). 8 submissions from 8 submitters: Uncertain significance (6); Likely benign (1). 1 of the submissions does not count toward it. Last evaluated 2024-10-30.

Conditions:
Inborn genetic diseases. Identifiers: MedGen C0950123, MeSH D030342.
Smith-Lemli-Opitz syndrome (SLOS). Also called: LETHAL ACRODYSGENITAL SYNDROME; POLYDACTYLY, SEX REVERSAL, RENAL HYPOPLASIA, AND UNILOBAR LUNG; RSH SYNDROME; RUTLEDGE LETHAL MULTIPLE CONGENITAL ANOMALY SYNDROME; 7-Dehydrocholesterol reductase deficiency. Identifiers: Orphanet 818, MedGen C0175694, MONDO:0010035, OMIM 270400.

Allele frequency attached by ClinVar (database versions not stated): gnomAD 0.00005 and 0.00007; gnomAD exomes 0.00007 and 0.00019; TOPMed 0.00010; ExAC 0.00021; 1000 Genomes Project 30x 0.00031; 1000 Genomes Project 0.00040.
gnomAD v4.1: 120 of 1,613,168 alleles (0.0074%); highest among the groups gnomAD compares: East Asian, 0.1%; no homozygotes.

Submissions (8):

GeneDx
Classification: Uncertain significance. Last evaluated: 2024-10-30. Review status: criteria provided, single submitter. Criteria: GeneDx Variant Classification Process June 2021. Collection method: clinical testing. Allele origin: germline. Affected: yes.
Comment: Reported as a single heterozygous variant in one individual from a cohort of patients with autism (PMID: 28250423); In silico analysis supports that this missense variant has a deleterious effect on protein structure/function; This variant is associated with the following publications: (PMID: 28250423)

Blueprint Genetics
Classification: Uncertain significance. Last evaluated: 2024-10-04. Review status: criteria provided, single submitter. Criteria: ACMG Guidelines, 2015. Collection method: clinical testing. Allele origin: germline.

Fulgent Genetics
Classification: Uncertain significance for Smith-Lemli-Opitz syndrome. Last evaluated: 2024-02-17. Review status: criteria provided, single submitter. Criteria: ACMG Guidelines, 2015. Collection method: clinical testing. Allele origin: germline.

Ambry Genetics
Classification: Likely benign for Inborn genetic diseases. Last evaluated: 2024-01-02. Review status: criteria provided, single submitter. Criteria: Ambry Variant Classification Scheme 2023. Collection method: clinical testing. Allele origin: germline.

Women's Health and Genetics/Laboratory Corporation of America, LabCorp
Classification: Uncertain significance. Last evaluated: 2023-02-16. Review status: criteria provided, single submitter. Criteria: LabCorp Variant Classification Summary - May 2015. Collection method: clinical testing. Allele origin: germline.
Comment: Variant summary: DHCR7 c.1099C>T (p.Arg367Cys) results in a non-conservative amino acid change in the encoded protein sequence. Five of five in-silico tools predict a damaging effect of the variant on protein function. The variant allele was found at a frequency of 0.00019 in 248618 control chromosomes, predominantly at a frequency of 0.0019 within the East Asian subpopulation in the gnomAD database. This frequency is not significantly higher than estimated for a pathogenic variant in DHCR7 causing Smith-Lemli-Opitz Syndrome (0.00019 vs 0.0043), allowing no conclusion about variant significance. To our knowledge, no occurrence of c.1099C>T in individuals affected with Smith-Lemli-Opitz Syndrome and no experimental evidence demonstrating its impact on protein function have been reported. Five submitters have provided clinical-significance assessments for this variant to ClinVar after 2014 and all classified the variant as uncertain significance. Based on the evidence outlined above, the variant was classified as uncertain significance.

Labcorp Genetics (formerly Invitae), Labcorp
Classification: Uncertain significance for Smith-Lemli-Opitz syndrome. Last evaluated: 2022-08-16. Review status: criteria provided, single submitter. Criteria: Invitae Variant Classification Sherloc (09022015). Collection method: clinical testing. Allele origin: germline.
Comment: This sequence change replaces arginine, which is basic and polar, with cysteine, which is neutral and slightly polar, at codon 367 of the DHCR7 protein (p.Arg367Cys). This variant is present in population databases (rs531038145, gnomAD 0.2%). This variant has not been reported in the literature in individuals affected with DHCR7-related conditions. ClinVar contains an entry for this variant (Variation ID: 281496). Advanced modeling of protein sequence and biophysical properties (such as structural, functional, and spatial information, amino acid conservation, physicochemical variation, residue mobility, and thermodynamic stability) performed at Invitae indicates that this missense variant is expected to disrupt DHCR7 protein function. In summary, the available evidence is currently insufficient to determine the role of this variant in disease. Therefore, it has been classified as a Variant of Uncertain Significance.

Eurofins Ntd Llc (ga)
Classification: Uncertain significance. Last evaluated: 2018-08-10. Review status: criteria provided, single submitter. Criteria: EGL ClinVar v180209 classification definitions. Collection method: clinical testing. Allele origin: germline. Observed: 4 variant alleles, 4 heterozygotes.

Natera, Inc.
Classification: Uncertain significance for Smith-Lemli-Opitz syndrome. Last evaluated: 2017-10-17. Review status: no assertion criteria provided. Collection method: clinical testing. Allele origin: germline. Not counted in ClinVar's aggregate classification.

Literature cited by the submitters: PubMed 29300326 (cited by Women's Health and Genetics/Laboratory Corporation of America, LabCorp).

NM_001360.3(DHCR7):c.1099C>T (p.Arg367Cys)

Gene: DHCR7 (7-dehydrocholesterol reductase; minus strand). Cytogenetic location: 11q13.4.
Variant type: single nucleotide variant.
Coding change: c.1099C>T on transcript NM_001360.3 (MANE Select); coding-DNA position 1099, C replaced by T.
Protein change: p.Arg367Cys; replaces arginine 367 with cysteine.
Molecular consequence: missense variant.
Genome position (GRCh38, 1-based): chr11:71,435,704, G>A on the plus strand (C>T on the coding strand, the complement: DHCR7 is on the minus strand). VCF-style: chr11-71435704-G-A. GRCh37 (hg19) VCF-style: chr11-71146750-G-A.
Other names: c.1099C>T, p.Arg367Cys (NM_001163817.2); short protein forms R367C.
Identifiers: ClinVar variation 281496 (VCV000281496.16), dbSNP rs531038145, ClinGen allele CA6162313.